The following is an entry in ClinVar:

ClinVar aggregate classification (germline): Likely benign. Review status: criteria provided, single submitter (1 of 4 stars). 2 submissions from 2 submitters: Likely benign (1). 1 of the submissions does not count toward it. Last evaluated 2025-02-03.

Conditions:
SPTBN2-related disorder. Also called: SPTBN2-related condition.

Allele frequency attached by ClinVar (database versions not stated): ExAC 0.00018; gnomAD 0.00019; ESP Exome Variant Server 0.00031.
gnomAD v4.1: 103 of 1,608,356 alleles (0.0064%); highest among the groups gnomAD compares: African/African-American, 0.086%; no homozygotes.

Submissions (2):

Labcorp Genetics (formerly Invitae), Labcorp
Classification: Likely benign. Last evaluated: 2025-02-03. Review status: criteria provided, single submitter. Criteria: Invitae Variant Classification Sherloc (09022015). Collection method: clinical testing. Allele origin: germline.

PreventionGenetics, part of Exact Sciences
Classification: Likely benign for SPTBN2-related condition. Last evaluated: 2023-04-24. Review status: no assertion criteria provided. Collection method: clinical testing. Allele origin: germline. Not counted in ClinVar's aggregate classification.
Comment: This variant is classified as likely benign based on ACMG/AMP sequence variant interpretation guidelines (Richards et al. 2015 PMID: 25741868, with internal and published modifications).

NM_006946.4(SPTBN2):c.2583C>T (p.Ala861=)

Gene: SPTBN2 (spectrin beta, non-erythrocytic 2; minus strand). Cytogenetic location: 11q13.2.
Variant type: single nucleotide variant.
Coding change: c.2583C>T on transcript NM_006946.4 (MANE Select); coding-DNA position 2583, C replaced by T.
Protein change: p.Ala861=; no amino-acid change (alanine 861 retained).
Molecular consequence: synonymous variant.
Genome position (GRCh38, 1-based): chr11:66,704,693, G>A on the plus strand (C>T on the coding strand, the complement: SPTBN2 is on the minus strand). VCF-style: chr11-66704693-G-A. GRCh37 (hg19) VCF-style: chr11-66472164-G-A.
Other names: c.2604C>T, p.Ala868= (NM_001411025.1); c.2583C>T (NM_006946.2).
Identifiers: ClinVar variation 2191201 (VCV002191201.6), dbSNP rs374953065, ClinGen allele CA6129084.